The following is an entry in ClinVar:

ClinVar aggregate classification (germline): Uncertain significance (1 of 4 stars; one submission).

Conditions:
Hereditary cancer-predisposing syndrome. Also called: Neoplastic Syndromes, Hereditary; Tumor predisposition; Hereditary Cancer Syndrome; Hereditary neoplastic syndrome. Identifiers: Orphanet 140162, MedGen C0027672, MeSH D009386, MONDO:0015356.

Submission:

Ambry Genetics
Classification: Uncertain significance for Hereditary cancer-predisposing syndrome. Last evaluated: 2025-12-23. Review status: criteria provided, single submitter. Criteria: Ambry Variant Classification Scheme 2023. Collection method: clinical testing. Allele origin: germline.
Comment: The p.D259E variant (also known as c.777C>G), located in coding exon 4 of the BARD1 gene, results from a C to G substitution at nucleotide position 777. The aspartic acid at codon 259 is replaced by glutamic acid, an amino acid with highly similar properties. This amino acid position is conserved. In addition, the in silico prediction for this alteration is inconclusive. Based on the available evidence, the clinical significance of this variant remains unclear.

NM_000465.4(BARD1):c.777C>G (p.Asp259Glu)

Gene: BARD1 (BRCA1 associated RING domain 1; minus strand). Cytogenetic location: 2q35.
Variant type: single nucleotide variant.
Coding change: c.777C>G on transcript NM_000465.4 (MANE Select); coding-DNA position 777, C replaced by G.
Protein change: p.Asp259Glu; replaces aspartic acid 259 with glutamic acid.
Molecular consequence: missense variant. On other transcripts: non-coding transcript variant (2), intron variant (3).
Genome position (GRCh38, 1-based): chr2:214,781,097, G>C on the plus strand (C>G on the coding strand, the complement: BARD1 is on the minus strand). VCF-style: chr2-214781097-G-C. GRCh37 (hg19) VCF-style: chr2-215645821-G-C.
Other names: c.720C>G, p.Asp240Glu (NM_001282543.2); c.158+28315C>G (NM_001282548.2); c.215+15964C>G (NM_001282545.2); c.364+11200C>G (NM_001282549.2); short protein forms D259E, D240E.
Identifiers: ClinVar variation 4842585 (VCV004842585.1).
Genomic context (GRCh38, chr2:214,781,097, plus strand): 5'-AGAGACTTCAGTTAAACTTCCAAAACATTCAGATTCTGTCAAGGAGCCACTTGCTAGTAA[G>C]TCTATTTCACCATTTATCTGAGGACTGGAGATAACAGATGGTTGGCTACAGAAGGATACC-3'
Protein context (NP_000456.2, residues 249-269): ISSPQINGEI[Asp259Glu]LLASGSLTES